The following is an entry in ClinVar:

NC_000022.11:g.(?_29603989)_(29681611_?)del

Gene: NF2 (NF2, moesin-ezrin-radixin like (MERLIN) tumor suppressor; plus strand). Cytogenetic location: 22q12.2.
Variant type: Deletion.
Identifiers: ClinVar variation 640993 (VCV000640993.1).

ClinVar aggregate classification (germline): Pathogenic (1 of 4 stars; one submission).

Conditions:
Neurofibromatosis, type 2 (SWNV). Also called: BILATERAL ACOUSTIC NEUROFIBROMATOSIS; NF2-Related Schwannomatosis; SCHWANNOMATOSIS, VESTIBULAR. Identifiers: Orphanet 637, MedGen C0027832, MONDO:0007039, OMIM 101000. Disease mechanism: loss of function.

Submission:

Labcorp Genetics (formerly Invitae), Labcorp
Classification: Pathogenic for Neurofibromatosis, type 2. Last evaluated: 2018-11-27. Review status: criteria provided, single submitter. Criteria: Invitae Variant Classification Sherloc (09022015). Collection method: clinical testing. Allele origin: germline.
Comment: This variant is a gross deletion of the genomic region encompassing exons 1-15 of the NF2 gene, which includes the initiator codon. The 5' end of this event is unknown as it extends beyond the assayed region for this gene and therefore may encompass additional genes. The 3' boundary is likely confined to intron 15 of the NF2 gene. This is expected to result in an absent or disrupted protein product. A similar deletion of exons 1-15 has been reported in a familyÂ¬â€  affected with NF2-related disease (PMID: 10691417). Loss-of-function variants in NF2 are known to be pathogenic (PMID: 9643284, 16983642). For these reasons, this variant has been classified as Pathogenic.

Literature cited by the submitters: PubMed 10691417.